The following is an entry in ClinVar:

ClinVar aggregate classification (germline): Conflicting classifications of pathogenicity. Review status: criteria provided, conflicting classifications (1 of 4 stars). 3 submissions from 3 submitters: Likely pathogenic (1); Uncertain significance (2). Last evaluated 2026-01-01.

Conditions:
Neurodevelopmental disorder with or without hyperkinetic movements and seizures, autosomal dominant. Also called: Intellectual disability, autosomal dominant 8. Identifiers: MedGen C3280282, MONDO:0013655, OMIM 614254.
Neurodevelopmental disorder with or without hyperkinetic movements and seizures, autosomal recessive. Identifiers: MedGen C4693325, MONDO:0060629, OMIM 617820.

Allele frequency attached by ClinVar (database versions not stated): gnomAD exomes 0.00001; TOPMed 0.00001.
gnomAD v4.1: 10 of 1,613,418 alleles (0.00062%); highest among the groups gnomAD compares: South Asian, 0.0022%; no homozygotes.

Submissions (3):

Labcorp Genetics (formerly Invitae), Labcorp
Classification: Uncertain significance for Neurodevelopmental disorder with or without hyperkinetic movements and seizures, autosomal dominant. Last evaluated: 2026-01-01. Review status: criteria provided, single submitter. Criteria: Invitae Variant Classification Sherloc (09022015). Collection method: clinical testing. Allele origin: germline.
Comment: This sequence change replaces valine, which is neutral and non-polar, with methionine, which is neutral and non-polar, at codon 141 of the GRIN1 protein (p.Val141Met). This variant is not present in population databases (gnomAD no frequency). This missense change has been observed in individual(s) with clinical features of GRIN1-related conditions (PMID: 35982159, 35982160, 37291213). ClinVar contains an entry for this variant (Variation ID: 860867). Invitae Evidence Modeling of protein sequence and biophysical properties (such as structural, functional, and spatial information, amino acid conservation, physicochemical variation, residue mobility, and thermodynamic stability) indicates that this missense variant is not expected to disrupt GRIN1 protein function with a negative predictive value of 95%. In summary, the available evidence is currently insufficient to determine the role of this variant in disease. Therefore, it has been classified as a Variant of Uncertain Significance.

Victorian Clinical Genetics Services, Murdoch Childrens Research Institute
Classification: Uncertain significance for Neurodevelopmental disorder with or without hyperkinetic movements and seizures, autosomal recessive. Last evaluated: 2025-11-24. Review status: criteria provided, single submitter. Criteria: ACMG Guidelines, 2015. Collection method: clinical testing. Allele origin: germline. Affected: yes.
Comment: This variant is classified as VUS-3B. Evidence in support of pathogenic classification: Variant is present in gnomAD <0.01 (v4: 10 heterozygote(s), 0 homozygote(s)); Variant is located in the well-established functional hinge region of the N-terminal domain. Seven alternative missense changes at this residue have been functionally proven to have both loss and gain of function effects in channel activity (PMID: 23454977); Missense variant predicted to be damaging by in silico tool(s) or highly conserved with a major amino acid change; Additional information: Variant is predicted to result in a missense amino acid change from Val to Met; This variant is heterozygous; This gene is associated with both recessive and dominant disease. Missense located mostly in the N-terminal domain and NMD-predicted variants tend to be associated with autosomal recessive disease and a loss of function mechanism. Missense variants with gain of function and dominant negative consequences on protein function, usually found in the C-terminal domain, tend to be associated with dominant disease (PMID: 27164704, PMID: 29365063, OMIM); Previous evidence of pathogenicity for this variant is inconclusive. This variant has been reported once as a VUS by a clinical laboratory in ClinVar. Additionally, it was observed twice in an epilepsy cohort and once in a control cohort (PMID: 39363051); No published segregation evidence has been identified for this variant; Functional evidence for this variant is inconclusive, where assays have suggested this variant does not have a gain of function effect (personal communications); Another missense variant comparable to the one identified in this case has inconclusive previous evidence for pathogenicity. This alternative change (p.(Val141Ala)) has been reported once as a VUS by a clinical laboratory; Dominant negative, loss of function and gain of function are reported mechanisms of disease in this gene and have been associated with both autosomal dominant and recessive neurodevelopmental disorder with or without hyperkinetic movements and seizures (MIM#614254, MIM#617820).

Laboratory of Medical Genetics, University of Torino
Classification: Likely pathogenic for Neurodevelopmental disorder with or without hyperkinetic movements and seizures, autosomal dominant. Last evaluated: 2022-11-29. Review status: criteria provided, single submitter. Criteria: ACMG Guidelines, 2015. Collection method: research. Allele origin: germline. Affected: yes. Study: NeuroWES.

Literature cited by the submitters: PubMed 35982159 (cited by Labcorp Genetics (formerly Invitae), Labcorp); PubMed 35982160 (cited by Labcorp Genetics (formerly Invitae), Labcorp); PubMed 37291213 (cited by Labcorp Genetics (formerly Invitae), Labcorp); PubMed 29365063 (cited by Victorian Clinical Genetics Services, Murdoch Childrens Research Institute); PubMed 27164704 (cited by Victorian Clinical Genetics Services, Murdoch Childrens Research Institute); PubMed 23454977 (cited by Victorian Clinical Genetics Services, Murdoch Childrens Research Institute); PubMed 39363051 (cited by Victorian Clinical Genetics Services, Murdoch Childrens Research Institute).

NM_007327.4(GRIN1):c.421G>A (p.Val141Met)

Gene: GRIN1 (glutamate ionotropic receptor NMDA type subunit 1; plus strand). Cytogenetic location: 9q34.3.
Variant type: single nucleotide variant.
Coding change: c.421G>A on transcript NM_007327.4 (MANE Select); coding-DNA position 421, G replaced by A.
Protein change: p.Val141Met; replaces valine 141 with methionine.
Molecular consequence: missense variant.
Genome position (GRCh38, 1-based): chr9:137,145,753, G>A. VCF-style: chr9-137145753-G-A. GRCh37 (hg19) VCF-style: chr9-140040205-G-A.
Other names: c.421G>A, p.Val141Met (NM_000832.7, NM_001185090.2, NM_001185091.2 and 1 more transcripts); short protein forms V141M.
Identifiers: ClinVar variation 860867 (VCV000860867.12), dbSNP rs1293947350, ClinGen allele CA375713867.